The following is an entry in ClinVar:

NM_017890.5(VPS13B):c.4243G>C (p.Val1415Leu)

Gene: VPS13B (vacuolar protein sorting 13 homolog B; plus strand). Cytogenetic location: 8q22.2.
Variant type: single nucleotide variant.
Coding change: c.4243G>C on transcript NM_017890.5 (MANE Plus Clinical); coding-DNA position 4243, G replaced by C.
Protein change: p.Val1415Leu; replaces valine 1415 with leucine.
Molecular consequence: missense variant. On other transcripts: intron variant (1).
Genome position (GRCh38, 1-based): chr8:99,507,855, G>C. VCF-style: chr8-99507855-G-C. GRCh37 (hg19) VCF-style: chr8-100520083-G-C.
Other names: c.4243G>C (NM_017890.3); c.4224+652G>C (NM_152564.5); short protein forms V1415L.
Identifiers: ClinVar variation 2200409 (VCV002200409.5), dbSNP rs1216652778, ClinGen allele CA371870772.

ClinVar aggregate classification (germline): Uncertain significance. Review status: criteria provided, multiple submitters, no conflicts (2 of 4 stars). 2 submissions from 2 submitters: Uncertain significance (2). Last evaluated 2025-01-27.

Conditions:
Cohen syndrome (COH1). Also called: Cutis verticis gyrata, retinitis pigmentosa, and sensorineural deafness; PEPPER SYNDROME. Identifiers: Orphanet 193, MedGen C0265223, MONDO:0008999, OMIM 216550.
Inborn genetic diseases. Identifiers: MedGen C0950123, MeSH D030342.

Allele frequency attached by ClinVar (database versions not stated): gnomAD 0.00001; TOPMed 0.00001.
gnomAD v4.1: 4 of 1,613,932 alleles (0.00025%); highest among the groups gnomAD compares: Non-Finnish European, 0.00034%; no homozygotes.

Submissions (2):

Ambry Genetics
Classification: Uncertain significance for Inborn genetic diseases. Last evaluated: 2025-01-27. Review status: criteria provided, single submitter. Criteria: Ambry Variant Classification Scheme 2023. Collection method: clinical testing. Allele origin: germline.

Labcorp Genetics (formerly Invitae), Labcorp
Classification: Uncertain significance for Cohen syndrome. Last evaluated: 2023-08-10. Review status: criteria provided, single submitter. Criteria: Invitae Variant Classification Sherloc (09022015). Collection method: clinical testing. Allele origin: germline.
Comment: In summary, the available evidence is currently insufficient to determine the role of this variant in disease. Therefore, it has been classified as a Variant of Uncertain Significance. An algorithm developed to predict the effect of missense changes on protein structure and function (PolyPhen-2) suggests that this variant is likely to be tolerated. ClinVar contains an entry for this variant (Variation ID: 2200409). This variant has not been reported in the literature in individuals affected with VPS13B-related conditions. This variant is not present in population databases (gnomAD no frequency). This sequence change replaces valine, which is neutral and non-polar, with leucine, which is neutral and non-polar, at codon 1415 of the VPS13B protein (p.Val1415Leu).